The following is an entry in ClinVar:

ClinVar aggregate classification (germline): Likely benign (1 of 4 stars; one submission).

gnomAD v4.1: 6 of 1,591,534 alleles (0.00038%); highest among the groups gnomAD compares: Admixed American, 0.01%; no homozygotes.

Submission:

Women's Health and Genetics/Laboratory Corporation of America, LabCorp
Classification: Likely benign. Last evaluated: 2025-12-16. Review status: criteria provided, single submitter. Criteria: LabCorp Variant Classification Summary - May 2015. Collection method: clinical testing. Allele origin: germline.
Comment: Variant summary: CERT1 c.840+8G>C alters a nucleotide located at a position not widely known to affect splicing. Consensus agreement among computation tools predict no significant impact on normal splicing. However, these predictions have yet to be confirmed by functional studies. The variant allele was found at a frequency of 2e-05 in 251368 control chromosomes. The available data on variant occurrences in the general population are insufficient to allow any conclusion about variant significance. To our knowledge, no occurrence of c.840+8G>C in individuals affected with CERT1-related conditions and no experimental evidence demonstrating its impact on protein function have been reported. No submitters have cited clinical-significance assessments for this variant to ClinVar. Based on the evidence outlined above, the variant was classified as likely benign.

NM_001379029.1(CERT1):c.456+8G>C

Gene: CERT1 (ceramide transporter 1; minus strand). Cytogenetic location: 5q13.3.
Variant type: single nucleotide variant.
Coding change: c.456+8G>C on transcript NM_001379029.1 (MANE Select); 8 bases into the intron after coding-DNA position 456, G replaced by C.
Molecular consequence: intron variant.
Genome position (GRCh38, 1-based): chr5:75,426,363, C>G on the plus strand (G>C on the coding strand, the complement: CERT1 is on the minus strand). VCF-style: chr5-75426363-C-G. GRCh37 (hg19) VCF-style: chr5-74722188-C-G.
Other names: c.456+8G>C (NM_001379003.1, NM_031361.3, NM_001379002.1 and 2 more transcripts); c.840+8G>C (NM_001130105.1).
Identifiers: ClinVar variation 4688276 (VCV004688276.1).